The following is an entry in ClinVar:

ClinVar aggregate classification (germline): Pathogenic/Likely pathogenic. Review status: criteria provided, multiple submitters, no conflicts (2 of 4 stars). 4 submissions from 4 submitters: Pathogenic (1); Likely pathogenic (2). 1 of the submissions does not count toward it. Last evaluated 2024-01-29.

Conditions:
TTC8-related disorder. Also called: TTC8-related condition.
Retinitis pigmentosa 51 (RP51). Identifiers: Orphanet 791, MedGen C3150715, MONDO:0013274, OMIM 613464.
Bardet-Biedl syndrome (BBS). Identifiers: Orphanet 110, MedGen C0752166, MONDO:0015229.

Allele frequency attached by ClinVar (database versions not stated): TOPMed below 0.00001; gnomAD exomes 0.00001.

Submissions (4):

Labcorp Genetics (formerly Invitae), Labcorp
Classification: Pathogenic for Bardet-Biedl syndrome. Last evaluated: 2024-01-29. Review status: criteria provided, single submitter. Criteria: Invitae Variant Classification Sherloc (09022015). Collection method: clinical testing. Allele origin: germline.
Comment: This sequence change creates a premature translational stop signal (p.Met295Ilefs*15) in the TTC8 gene. It is expected to result in an absent or disrupted protein product. Loss-of-function variants in TTC8 are known to be pathogenic (PMID: 16308660, 16877420, 19797195, 21052717, 30886724). This variant is present in population databases (no rsID available, gnomAD 0.003%). This variant has not been reported in the literature in individuals affected with TTC8-related conditions. ClinVar contains an entry for this variant (Variation ID: 930561). For these reasons, this variant has been classified as Pathogenic.

Baylor Genetics
Classification: Likely pathogenic for Retinitis pigmentosa 51. Last evaluated: 2023-07-02. Review status: criteria provided, single submitter. Criteria: ACMG Guidelines, 2015. Collection method: clinical testing. Allele origin: unknown.

Centre for Mendelian Genomics, University Medical Centre Ljubljana
Classification: Likely pathogenic for Retinitis pigmentosa 51. Last evaluated: 2019-08-22. Review status: criteria provided, single submitter. Criteria: ACMG Guidelines, 2015. Collection method: clinical testing. Allele origin: unknown. Affected: yes.
Comment: This variant was classified as: Likely pathogenic. The following ACMG criteria were applied in classifying this variant: PVS1,PM2.

PreventionGenetics, part of Exact Sciences
Classification: Pathogenic for TTC8-related condition. Last evaluated: 2024-03-29. Review status: no assertion criteria provided. Collection method: clinical testing. Allele origin: germline. Not counted in ClinVar's aggregate classification.
Comment: The TTC8 c.915delG variant is predicted to result in a frameshift and premature protein termination (p.Met305Ilefs*15). To our knowledge, this variant has not been reported in the literature. This variant is reported in 0.0026% of alleles in individuals of European (non-Finnish) descent in gnomAD. Frameshift variants in TTC8 are expected to be pathogenic. This variant is interpreted as pathogenic.

Literature cited by the submitters: PubMed 16308660 (cited by Labcorp Genetics (formerly Invitae), Labcorp); PubMed 16877420 (cited by Labcorp Genetics (formerly Invitae), Labcorp); PubMed 19797195 (cited by Labcorp Genetics (formerly Invitae), Labcorp); PubMed 21052717 (cited by Labcorp Genetics (formerly Invitae), Labcorp); PubMed 30886724 (cited by Labcorp Genetics (formerly Invitae), Labcorp).

NM_144596.4(TTC8):c.915del (p.Met305fs)

Gene: TTC8 (tetratricopeptide repeat domain 8; plus strand). Cytogenetic location: 14q31.3.
Variant type: Deletion.
Coding change: c.915del on transcript NM_144596.4 (MANE Select); coding-DNA position 915, one base deleted (G; older notation c.915delG).
Protein change: p.Met305fs; shifts the reading frame from methionine 305.
Molecular consequence: frameshift variant. On other transcripts: non-coding transcript variant (1).
Genome position (GRCh38, 1-based): chr14:88,870,064, G deleted. VCF-style (leftmost placement, unchanged base first): chr14-88870063-TG-T. GRCh37 (hg19) VCF-style: chr14-89336407-TG-T.
Other names: c.963del, p.Met321fs (NM_001288781.1); c.321del, p.Met107fs (NM_001288782.1); c.198del, p.Met66fs (NM_001288783.1); c.885del, p.Met295fs (NM_001366535.2, NM_198309.3); c.795del, p.Met265fs (NM_001366536.2, NM_198310.3); c.963delG (NM_001288781.1); c.915del (NM_144596.3); c.915delG (NM_144596.3); short protein forms M265fs, M321fs, M107fs, M295fs, M305fs, M66fs.
Identifiers: ClinVar variation 930561 (VCV000930561.11), dbSNP rs1431207606, ClinGen allele CA615698082.